The following is an entry in ClinVar:

NM_000286.3(PEX12):c.460C>T (p.Arg154Ter)

Gene: PEX12 (peroxisomal biogenesis factor 12; minus strand). Cytogenetic location: 17q12.
Variant type: single nucleotide variant.
Coding change: c.460C>T on transcript NM_000286.3 (MANE Select); coding-DNA position 460, C replaced by T.
Protein change: p.Arg154Ter; replaces arginine 154 with a stop codon.
Molecular consequence: nonsense.
Genome position (GRCh38, 1-based): chr17:35,577,258, G>A on the plus strand (C>T on the coding strand, the complement: PEX12 is on the minus strand). VCF-style: chr17-35577258-G-A. GRCh37 (hg19) VCF-style: chr17-33904277-G-A.
Other names: short protein forms R154*.
Identifiers: ClinVar variation 551612 (VCV000551612.6), dbSNP rs1555549855, ClinGen allele CA399138085.
Genomic context (GRCh38, chr17:35,577,258, plus strand): 5'-ACCATCCTTCCCAGGCCATGTTCACAAATGGGTAGGCTGCCAGGAAAGCTCTGTAAAATC[G>A]TTTCCAGCGGGAAGAAGGGGGATGAATAGAATATTCATCCTCTTCTCTCAGGCTAGAAAC-3'

ClinVar aggregate classification (germline): Pathogenic/Likely pathogenic. Review status: criteria provided, multiple submitters, no conflicts (2 of 4 stars). 3 submissions from 3 submitters: Pathogenic (1); Likely pathogenic (1). 1 of the submissions does not count toward it. Last evaluated 2023-05-25.

Conditions:
PEX12-related disorder. Also called: PEX12-related condition; PEX12-related disorders.
Peroxisome biogenesis disorder 3A (Zellweger). Also called: Peroxisome biogenesis disorder 3A; PEROXISOMAL BIOGENESIS DISORDER 3A (ZELLWEGER). Identifiers: Orphanet 912, MedGen C3553929, MONDO:0013927, OMIM 614859.
Peroxisome biogenesis disorder type 3B. Identifiers: Orphanet 44, Orphanet 772, MedGen C3550693, MONDO:0009959, OMIM 266510.

Allele frequency attached by ClinVar (database versions not stated): gnomAD exomes below 0.00001.

Submissions (3):

PreventionGenetics, part of Exact Sciences
Classification: Likely pathogenic for PEX12-related condition. Last evaluated: 2023-05-25. Review status: criteria provided, single submitter. Criteria: ACMG Guidelines, 2015. Collection method: clinical testing. Allele origin: germline.
Comment: The PEX12 c.460C>T variant is predicted to result in premature protein termination (p.Arg154*). This variant was reported in an individual with peroxisome biogenesis disorder 3 (Ebberink et al. 2011. PubMed ID: 21031596). This variant has not been reported in a large population database, indicating this variant is rare. Nonsense variants in PEX12 are expected to be pathogenic. This variant is interpreted as likely pathogenic.

Labcorp Genetics (formerly Invitae), Labcorp
Classification: Pathogenic for Peroxisome biogenesis disorder 3A (Zellweger). Last evaluated: 2023-01-22. Review status: criteria provided, single submitter. Criteria: Invitae Variant Classification Sherloc (09022015). Collection method: clinical testing. Allele origin: germline.
Comment: This sequence change creates a premature translational stop signal (p.Arg154*) in the PEX12 gene. It is expected to result in an absent or disrupted protein product. Loss-of-function variants in PEX12 are known to be pathogenic (PMID: 9090384, 9632816, 21031596). This variant is not present in population databases (gnomAD no frequency). This premature translational stop signal has been observed in individual(s) with Zellweger syndrome spectrum (PMID: 21031596). ClinVar contains an entry for this variant (Variation ID: 551612). For these reasons, this variant has been classified as Pathogenic.

Counsyl
Classification: Likely pathogenic for Peroxisome biogenesis disorder type 3B; Peroxisome biogenesis disorder 3A (Zellweger). Last evaluated: 2017-04-24. Review status: no assertion criteria provided. Collection method: clinical testing. Allele origin: unknown. Not counted in ClinVar's aggregate classification.

Literature cited by the submitters: PubMed 9090384 (cited by Labcorp Genetics (formerly Invitae), Labcorp); PubMed 9632816 (cited by Labcorp Genetics (formerly Invitae), Labcorp); PubMed 21031596 (cited by Labcorp Genetics (formerly Invitae), Labcorp and Counsyl).